The following is an entry in ClinVar:

NM_001128164.2(ATXN1):c.627_650del (p.His209_Gln216del)

Genes: ATXN1 (ataxin 1; minus strand), LOC108663993 (ataxin 1 repeat instability region; plus strand). Cytogenetic location: 6p22.3.
Variant type: Deletion.
Coding change: c.627_650del on transcript NM_001128164.2 (MANE Select); coding-DNA positions 627 to 650, 24 bases deleted (TCAGCATCAGCAGCAGCAGCAGCA).
Protein change: p.His209_Gln216del.
Molecular consequence: inframe deletion. On other transcripts: 3 prime UTR variant (1).
Genome position (GRCh38, 1-based): chr6:16,327,661-16,327,684, TGCTGCTGCTGCTGCTGATGCTGA deleted on the plus strand (TCAGCATCAGCAGCAGCAGCAGCA on the coding strand, the reverse complement: ATXN1 is on the minus strand); deleting any 24 consecutive bases within chr6:16,327,661-16,327,701 gives the same sequence; the c. name uses the placement nearest the transcript's 3' end. VCF-style (leftmost placement, unchanged base first): chr6-16327660-CTGCTGCTGCTGCTGCTGATGCTGA-C. GRCh37 (hg19) VCF-style: chr6-16327891-CTGCTGCTGCTGCTGCTGATGCTGA-C.
Other names: c.*40_*63del (NM_001357857.2); c.627_650del, p.His209_Gln216del (NM_000332.4).
Identifiers: ClinVar variation 4534059 (VCV004534059.6).
Genomic context (GRCh38, chr6:16,327,660, plus strand): 5'-CCCCGGGGTGATGAGCCCCGGAGCCCTGCTGAGGTGCTGCTGCTGCTGCTGCTGCTGCTG[CTGCTGCTGCTGCTGCTGATGCTGA>C]TGCTGCTGCTGCTGCTGCTGCTGCTGCTGCTGCTGCTGCTCAGCCTTGTGTCCCGGCGTC-3'

ClinVar aggregate classification (germline): Benign (1 of 4 stars; one submission).

Submission:

CeGaT Center for Human Genetics Tuebingen
Classification: Benign. Last evaluated: 2025-11-01. Review status: criteria provided, single submitter. Criteria: CeGaT Center For Human Genetics Tuebingen Variant Classification Criteria Version 2. Collection method: clinical testing. Allele origin: germline. Affected: yes. Observed: 1 variant allele.
Comment: ATXN1: BS1, BS2